The following is an entry in ClinVar:

NM_024989.4(PGAP1):c.1755A>G (p.Gln585=)

Gene: PGAP1 (post-GPI attachment to proteins inositol deacylase 1; minus strand). Cytogenetic location: 2q33.1.
Variant type: single nucleotide variant.
Coding change: c.1755A>G on transcript NM_024989.4 (MANE Select); coding-DNA position 1755, A replaced by G.
Protein change: p.Gln585=; no amino-acid change (glutamine 585 retained).
Molecular consequence: synonymous variant.
Genome position (GRCh38, 1-based): chr2:196,870,953, T>C on the plus strand (A>G on the coding strand, the complement: PGAP1 is on the minus strand). VCF-style: chr2-196870953-T-C. GRCh37 (hg19) VCF-style: chr2-197735677-T-C.
Other names: c.1233A>G, p.Gln411= (NM_001321099.2); c.588A>G, p.Gln196= (NM_001321100.2).
Identifiers: ClinVar variation 2958534 (VCV002958534.7), dbSNP rs745506330, ClinGen allele CA2040806.

ClinVar aggregate classification (germline): Likely benign. Review status: criteria provided, multiple submitters, no conflicts (2 of 4 stars). 2 submissions from 2 submitters: Likely benign (2). Last evaluated 2026-01-01.

Conditions:
Intellectual disability, autosomal recessive 42 (NEDDSBA). Also called: Neurodevelopmental disorder with dysmorphic features, spasticity, and brain abnormalities; GLYCOSYLPHOSPHATIDYLINOSITOL BIOSYNTHESIS DEFECT 9. Identifiers: Orphanet 88616, MedGen C4014343, MONDO:0014348, OMIM 615802.

Allele frequency attached by ClinVar (database versions not stated): ExAC 0.00001; gnomAD 0.00002; gnomAD exomes 0.00004; TOPMed 0.00004.
gnomAD v4.1: 59 of 1,608,018 alleles (0.0037%); highest among the groups gnomAD compares: Non-Finnish European, 0.0047%; no homozygotes.

Submissions (2):

CeGaT Center for Human Genetics Tuebingen
Classification: Likely benign. Last evaluated: 2026-01-01. Review status: criteria provided, single submitter. Criteria: CeGaT Center For Human Genetics Tuebingen Variant Classification Criteria Version 2. Collection method: clinical testing. Allele origin: germline. Affected: yes. Observed: 1 variant allele.
Comment: PGAP1: BP4, BP7

Labcorp Genetics (formerly Invitae), Labcorp
Classification: Likely benign for Intellectual disability, autosomal recessive 42. Last evaluated: 2023-10-22. Review status: criteria provided, single submitter. Criteria: Invitae Variant Classification Sherloc (09022015). Collection method: clinical testing. Allele origin: germline.